The following is an entry in ClinVar:

ClinVar aggregate classification (germline): Uncertain significance (1 of 4 stars; one submission).

Conditions:
PHIP-related disorder. Also called: PHIP-related condition; PHIP-related disorders.

Allele frequency attached by ClinVar (database versions not stated): ExAC 0.00002; gnomAD 0.00002; gnomAD exomes 0.00007.
gnomAD v4.1: 102 of 1,613,664 alleles (0.0063%); highest among the groups gnomAD compares: Non-Finnish European, 0.0081%; no homozygotes.

Submission:

PreventionGenetics, part of Exact Sciences
Classification: Uncertain significance for PHIP-related condition. Last evaluated: 2026-07-23. Review status: criteria provided, single submitter. Criteria: ACMG Guidelines, 2015. Collection method: clinical testing. Allele origin: germline.
Comment: The PHIP c.5192T>A variant is predicted to result in the amino acid substitution p.Val1731Asp. To our knowledge, this variant has not been reported in the literature. This variant is reported in 0.0046% of alleles in individuals of European (Finnish) descent in gnomAD. At this time, the clinical significance of this variant is uncertain due to the absence of conclusive functional and genetic evidence.

NM_017934.7(PHIP):c.5192T>A (p.Val1731Asp)

Genes: IRAK1BP1 (interleukin 1 receptor associated kinase 1 binding protein 1; plus strand), PHIP (PHIP subunit of CUL4-Ring ligase complex; minus strand). Cytogenetic location: 6q14.1.
Variant type: single nucleotide variant.
Coding change: c.5192T>A on transcript NM_017934.7 (MANE Select); coding-DNA position 5192, T replaced by A.
Protein change: p.Val1731Asp; replaces valine 1731 with aspartic acid.
Molecular consequence: missense variant.
Genome position (GRCh38, 1-based): chr6:78,940,967, A>T on the plus strand (T>A on the coding strand, the complement: PHIP is on the minus strand). VCF-style: chr6-78940967-A-T. GRCh37 (hg19) VCF-style: chr6-79650684-A-T.
Other names: short protein forms V1731D.
Identifiers: ClinVar variation 2636817 (VCV002636817.2), dbSNP rs768951489, ClinGen allele CA3899298.